The following is an entry in ClinVar:

NM_000057.4(BLM):c.3380A>C (p.Gln1127Pro)

Gene: BLM (BLM RecQ like helicase; plus strand). Cytogenetic location: 15q26.1.
Variant type: single nucleotide variant.
Coding change: c.3380A>C on transcript NM_000057.4 (MANE Select); coding-DNA position 3380, A replaced by C.
Protein change: p.Gln1127Pro; replaces glutamine 1127 with proline.
Molecular consequence: missense variant. On other transcripts: intron variant (1).
Genome position (GRCh38, 1-based): chr15:90,803,542, A>C. VCF-style: chr15-90803542-A-C. GRCh37 (hg19) VCF-style: chr15-91346772-A-C.
Other names: c.3380A>C, p.Gln1127Pro (NM_001287246.2); c.2255A>C, p.Gln752Pro (NM_001287248.2); c.3358+5205A>C (NM_001287247.2); short protein forms Q1127P, Q752P.
Identifiers: ClinVar variation 3480904 (VCV003480904.1).

ClinVar aggregate classification (germline): Uncertain significance (1 of 4 stars; one submission).

Conditions:
Hereditary cancer-predisposing syndrome. Also called: Tumor predisposition; Neoplastic Syndromes, Hereditary; Hereditary Cancer Syndrome; Hereditary neoplastic syndrome. Identifiers: Orphanet 140162, MedGen C0027672, MeSH D009386, MONDO:0015356.

Submission:

Ambry Genetics
Classification: Uncertain significance for Hereditary cancer-predisposing syndrome. Last evaluated: 2024-11-21. Review status: criteria provided, single submitter. Criteria: Ambry Variant Classification Scheme 2023. Collection method: clinical testing. Allele origin: germline.
Comment: The p.Q1127P variant (also known as c.3380A>C), located in coding exon 17 of the BLM gene, results from an A to C substitution at nucleotide position 3380. The glutamine at codon 1127 is replaced by proline, an amino acid with similar properties. This amino acid position is conserved. In addition, the in silico prediction for this alteration is inconclusive. Based on the available evidence, the clinical significance of this variant remains unclear.